The following is an entry in ClinVar:

NM_005032.7(PLS3):c.1304G>A (p.Arg435Gln)

Gene: PLS3 (plastin 3; plus strand). Cytogenetic location: Xq23.
Variant type: single nucleotide variant.
Coding change: c.1304G>A on transcript NM_005032.7 (MANE Select); coding-DNA position 1304, G replaced by A.
Protein change: p.Arg435Gln; replaces arginine 435 with glutamine.
Molecular consequence: missense variant.
Genome position (GRCh38, 1-based): chrX:115,646,113, G>A. VCF-style: chrX-115646113-G-A. GRCh37 (hg19) VCF-style: chrX-114880433-G-A.
Other names: c.1304G>A, p.Arg435Gln (NM_001136025.5); c.1223G>A, p.Arg408Gln (NM_001172335.3); c.1265G>A, p.Arg422Gln (NM_001282337.2); c.1169G>A, p.Arg390Gln (NM_001282338.2); short protein forms R390Q, R408Q, R422Q, R435Q.
Identifiers: ClinVar variation 3764295 (VCV003764295.1).

ClinVar aggregate classification (germline): Uncertain significance (1 of 4 stars; one submission).

gnomAD v4.1: 1 of 1,193,538 alleles (0.000084%); highest among the groups gnomAD compares: Non-Finnish European, 0.00011%; no homozygotes.

Submission:

GeneDx
Classification: Uncertain significance. Last evaluated: 2024-08-18. Review status: criteria provided, single submitter. Criteria: GeneDx Variant Classification Process June 2021. Collection method: clinical testing. Allele origin: germline. Affected: yes.
Comment: Not observed at significant frequency in large population cohorts (gnomAD); In silico analysis indicates that this missense variant does not alter protein structure/function; Has not been previously published as pathogenic or benign to our knowledge